The following is an entry in ClinVar:

NM_144687.4(NLRP12):c.653C>T (p.Ala218Val)

Gene: NLRP12 (NLR family pyrin domain containing 12; minus strand). Cytogenetic location: 19q13.42.
Variant type: single nucleotide variant.
Coding change: c.653C>T on transcript NM_144687.4 (MANE Select); coding-DNA position 653, C replaced by T.
Protein change: p.Ala218Val; replaces alanine 218 with valine.
Molecular consequence: missense variant.
Genome position (GRCh38, 1-based): chr19:53,811,006, G>A on the plus strand (C>T on the coding strand, the complement: NLRP12 is on the minus strand). VCF-style: chr19-53811006-G-A. GRCh37 (hg19) VCF-style: chr19-54314260-G-A.
Other names: c.653C>T, p.Ala218Val (NM_001277126.2, NM_001277129.1); c.653C>T (NM_144687.2); short protein forms A218V.
Identifiers: ClinVar variation 653688 (VCV000653688.18), dbSNP rs749659859, ClinGen allele CA9639641.

ClinVar aggregate classification (germline): Uncertain significance. Review status: criteria provided, multiple submitters, no conflicts (2 of 4 stars). 4 submissions from 4 submitters: Uncertain significance (4). Last evaluated 2025-04-02.

Conditions:
Familial cold autoinflammatory syndrome 2 (FCAS2). Identifiers: Orphanet 247868, MedGen C2673198, MONDO:0012724, OMIM 611762.

Allele frequency attached by ClinVar (database versions not stated): gnomAD exomes 0.00001; TOPMed 0.00001; ExAC 0.00002.
gnomAD v4.1: 15 of 1,613,904 alleles (0.00093%); highest among the groups gnomAD compares: East Asian, 0.0022%; no homozygotes.

Submissions (4):

GeneDx
Classification: Uncertain significance. Last evaluated: 2025-04-02. Review status: criteria provided, single submitter. Criteria: GeneDx Variant Classification Process June 2021. Collection method: clinical testing. Allele origin: germline. Affected: yes.
Comment: Reported in the published literature in association with autoinflammatory disease; however, detailed clinical information was not provided for all patients (PMID: 38123482, 38343435, 38878806); In silico analysis supports that this missense variant has a deleterious effect on protein structure/function; This variant is associated with the following publications: (PMID: 38123482, 38343435, 38878806)

Labcorp Genetics (formerly Invitae), Labcorp
Classification: Uncertain significance for Familial cold autoinflammatory syndrome 2. Last evaluated: 2024-10-08. Review status: criteria provided, single submitter. Criteria: Invitae Variant Classification Sherloc (09022015). Collection method: clinical testing. Allele origin: germline.
Comment: This sequence change replaces alanine, which is neutral and non-polar, with valine, which is neutral and non-polar, at codon 218 of the NLRP12 protein (p.Ala218Val). This variant is present in population databases (rs749659859, gnomAD 0.006%). This variant has not been reported in the literature in individuals affected with NLRP12-related conditions. ClinVar contains an entry for this variant (Variation ID: 653688). Invitae Evidence Modeling of protein sequence and biophysical properties (such as structural, functional, and spatial information, amino acid conservation, physicochemical variation, residue mobility, and thermodynamic stability) indicates that this missense variant is not expected to disrupt NLRP12 protein function with a negative predictive value of 80%. In summary, the available evidence is currently insufficient to determine the role of this variant in disease. Therefore, it has been classified as a Variant of Uncertain Significance.

Blueprint Genetics
Classification: Uncertain significance. Last evaluated: 2024-09-05. Review status: criteria provided, single submitter. Criteria: ACMG Guidelines, 2015. Collection method: clinical testing. Allele origin: germline.

ARUP Laboratories, Molecular Genetics and Genomics, ARUP Laboratories
Classification: Uncertain significance for Familial cold autoinflammatory syndrome 2. Last evaluated: 2020-01-20. Review status: criteria provided, single submitter. Criteria: ARUP Molecular Germline Variant Investigation Process. Collection method: clinical testing. Allele origin: germline.
Comment: The NLRP12 c.653C>T; p.Ala218Val variant (rs749659859), to our knowledge, is not reported in the medical literature. The variant is listed in the ClinVar database (Variation ID: 653688) and is reported in the general population with an overall allele frequency of 0.0008% (2/251,148 alleles) in the Genome Aggregation Database. The alanine at codon 218 is highly conserved, but computational analyses (SIFT: Damaging, PolyPhen-2: Benign) predict conflicting effects of this variant on protein structure/function. Due to limited information, the clinical significance of the p.Ala218Val variant is uncertain at this time.